The following is an entry in ClinVar:

NM_001378778.1(MPDZ):c.2908G>C (p.Val970Leu)

Gene: MPDZ (multiple PDZ domain crumbs cell polarity complex component; minus strand). Cytogenetic location: 9p23.
Variant type: single nucleotide variant.
Coding change: c.2908G>C on transcript NM_001378778.1 (MANE Select); coding-DNA position 2908, G replaced by C.
Protein change: p.Val970Leu; replaces valine 970 with leucine.
Molecular consequence: missense variant.
Genome position (GRCh38, 1-based): chr9:13,176,159, C>G on the plus strand (G>C on the coding strand, the complement: MPDZ is on the minus strand). VCF-style: chr9-13176159-C-G. GRCh37 (hg19) VCF-style: chr9-13176158-C-G.
Other names: c.2908G>C, p.Val970Leu (NM_001261406.2, NM_001261407.2, NM_001375424.1 and 14 more transcripts); short protein forms V970L.
Identifiers: ClinVar variation 3679680 (VCV003679680.2).

ClinVar aggregate classification (germline): Uncertain significance (1 of 4 stars; one submission).

gnomAD v4.1: 12 of 1,600,992 alleles (0.00075%); highest among the groups gnomAD compares: East Asian, 0.027%; no homozygotes.

Submission:

Labcorp Genetics (formerly Invitae), Labcorp
Classification: Uncertain significance. Last evaluated: 2024-08-09. Review status: criteria provided, single submitter. Criteria: Invitae Variant Classification Sherloc (09022015). Collection method: clinical testing. Allele origin: germline.
Comment: This sequence change replaces valine, which is neutral and non-polar, with leucine, which is neutral and non-polar, at codon 970 of the MPDZ protein (p.Val970Leu). This variant is present in population databases (no rsID available, gnomAD 0.006%). This variant has not been reported in the literature in individuals affected with MPDZ-related conditions. An algorithm developed to predict the effect of missense changes on protein structure and function outputs the following: PolyPhen-2: "Benign". The leucine amino acid residue is found in multiple mammalian species, which suggests that this missense change does not adversely affect protein function. In summary, the available evidence is currently insufficient to determine the role of this variant in disease. Therefore, it has been classified as a Variant of Uncertain Significance.